The following is an entry in ClinVar:

NM_023110.3(FGFR1):c.409G>C (p.Glu137Gln)

Gene: FGFR1 (fibroblast growth factor receptor 1; minus strand). Cytogenetic location: 8p11.23.
Variant type: single nucleotide variant.
Coding change: c.409G>C on transcript NM_023110.3 (MANE Select); coding-DNA position 409, G replaced by C.
Protein change: p.Glu137Gln; replaces glutamic acid 137 with glutamine.
Molecular consequence: missense variant.
Genome position (GRCh38, 1-based): chr8:38,428,385, C>G on the plus strand (G>C on the coding strand, the complement: FGFR1 is on the minus strand). VCF-style: chr8-38428385-C-G. GRCh37 (hg19) VCF-style: chr8-38285903-C-G.
Other names: c.409G>C, p.Glu137Gln (NM_001174063.2, NM_001174065.2, NM_001354367.2 and 3 more transcripts); c.385G>C, p.Glu129Gln (NM_001174064.2); c.142G>C, p.Glu48Gln (NM_001174066.2, NM_001354368.2, NM_001354370.2 and 2 more transcripts); c.508G>C, p.Glu170Gln (NM_001174067.2); short protein forms E129Q, E137Q, E170Q, E48Q.
Identifiers: ClinVar variation 3363392 (VCV003363392.1).

ClinVar aggregate classification (germline): Uncertain significance (1 of 4 stars; one submission).

Submission:

GeneDx
Classification: Uncertain significance. Last evaluated: 2023-10-19. Review status: criteria provided, single submitter. Criteria: GeneDx Variant Classification Process June 2021. Collection method: clinical testing. Allele origin: germline. Affected: yes.
Comment: Not observed at significant frequency in large population cohorts (gnomAD); In silico analysis supports that this missense variant does not alter protein structure/function; Has not been previously published as pathogenic or benign to our knowledge